The following is an entry in ClinVar:

ClinVar aggregate classification (germline): Likely benign (1 of 4 stars; one submission).

Submission:

GeneDx
Classification: Likely benign. Last evaluated: 2013-05-13. Review status: criteria provided, single submitter. Criteria: GeneDx Variant Classification (06012015). Collection method: clinical testing. Allele origin: germline. Affected: yes.
Comment: This variant is considered likely benign or benign based on one or more of the following criteria: it is a conservative change, it occurs at a poorly conserved position in the protein, it is predicted to be benign by multiple in silico algorithms, and/or has population frequency not consistent with disease.

NM_198586.3(NHLRC1):c.1072A>C (p.Met358Leu)

Gene: NHLRC1 (NHL repeat containing E3 ubiquitin protein ligase 1; minus strand). Cytogenetic location: 6p22.3.
Variant type: single nucleotide variant.
Coding change: c.1072A>C on transcript NM_198586.3 (MANE Select); coding-DNA position 1072, A replaced by C.
Protein change: p.Met358Leu; replaces methionine 358 with leucine.
Molecular consequence: missense variant.
Genome position (GRCh38, 1-based): chr6:18,121,535, T>G on the plus strand (A>C on the coding strand, the complement: NHLRC1 is on the minus strand). VCF-style: chr6-18121535-T-G. GRCh37 (hg19) VCF-style: chr6-18121766-T-G.
Other names: p.M358L:ATG>CTG; short protein forms M358L.
Identifiers: ClinVar variation 206180 (VCV000206180.1), dbSNP rs765443391, ClinGen allele CA316016.
Genomic context (GRCh38, chr6:18,121,535, plus strand): 5'-GAAGAGAATTCTCCTTGGTGAAGGTAAGAGCCACAGGATGCGAAAGACCATGAGTGACCA[T>G]GGGCTTCGGTACTGGAAACTCCTCAGGTTTTCCTAAGCAAAGGATAGCTGGACCAGATGT-3'
Protein context (NP_940988.2, residues 348-368): KPEEFPVPKP[Met358Leu]VTHGLSHPVA